The following is an entry in ClinVar:

ClinVar aggregate classification (germline): Likely pathogenic (1 of 4 stars; one submission).

Submission:

Labcorp Genetics (formerly Invitae), Labcorp
Classification: Likely pathogenic. Last evaluated: 2023-02-02. Review status: criteria provided, single submitter. Criteria: Invitae Variant Classification Sherloc (09022015). Collection method: clinical testing. Allele origin: germline.
Comment: This variant has not been reported in the literature in individuals affected with TG-related conditions. In summary, the currently available evidence indicates that the variant is pathogenic, but additional data are needed to prove that conclusively. Therefore, this variant has been classified as Likely Pathogenic. Algorithms developed to predict the effect of sequence changes on RNA splicing suggest that this variant may disrupt the consensus splice site. This variant is not present in population databases (gnomAD no frequency). This variant results in the deletion of part of exon 10 (c.2177-1_2182del) of the TG gene. It is expected to disrupt RNA splicing. Variants that disrupt the donor or acceptor splice site typically lead to a loss of protein function (PMID: 16199547), and loss-of-function variants in TG are known to be pathogenic (PMID: 19837936, 23164529).

Literature cited by the submitters: PubMed 16199547; PubMed 19837936; PubMed 23164529.

NM_003235.5(TG):c.2177-1_2182del

Gene: TG (thyroglobulin; plus strand). Cytogenetic location: 8q24.22.
Variant type: Deletion.
Coding change: c.2177-1_2182del on transcript NM_003235.5 (MANE Select); the canonical splice acceptor site of the intron before coding-DNA position 2177 through coding-DNA position 2182, 7 bases deleted (GGCCCCA; older notation c.2177-1_2182delGGCCCCA).
Molecular consequence: splice acceptor variant.
Genome position (GRCh38, 1-based): chr8:132,887,983-132,887,989, GGCCCCA deleted; deleting any 7 consecutive bases within chr8:132,887,978-132,887,989 gives the same sequence; the c. name uses the placement nearest the transcript's 3' end. VCF-style (leftmost placement, unchanged base first): chr8-132887977-TCCCCAGG-T. GRCh37 (hg19) VCF-style: chr8-133900222-TCCCCAGG-T.
Identifiers: ClinVar variation 2834013 (VCV002834013.3), dbSNP rs2489844219, ClinGen allele CA2739268990.